The following is an entry in ClinVar:

ClinVar aggregate classification (germline): Uncertain significance. Review status: criteria provided, multiple submitters, no conflicts (2 of 4 stars). 2 submissions from 2 submitters: Uncertain significance (2). Last evaluated 2025-04-13.

Conditions:
Inborn genetic diseases. Identifiers: MedGen C0950123, MeSH D030342.

Allele frequency attached by ClinVar (database versions not stated): gnomAD exomes below 0.00001; gnomAD 0.00002; TOPMed 0.00001.
gnomAD v4.1: 7 of 1,577,996 alleles (0.00044%); highest among the groups gnomAD compares: African/African-American, 0.0041%; no homozygotes.

Submissions (2):

Ambry Genetics
Classification: Uncertain significance for Inborn genetic diseases. Last evaluated: 2025-04-13. Review status: criteria provided, single submitter. Criteria: Ambry Variant Classification Scheme 2023. Collection method: clinical testing. Allele origin: germline.

Labcorp Genetics (formerly Invitae), Labcorp
Classification: Uncertain significance. Last evaluated: 2022-03-19. Review status: criteria provided, single submitter. Criteria: Invitae Variant Classification Sherloc (09022015). Collection method: clinical testing. Allele origin: germline.
Comment: This sequence change replaces arginine, which is basic and polar, with histidine, which is basic and polar, at codon 1529 of the APC2 protein (p.Arg1529His). In summary, the available evidence is currently insufficient to determine the role of this variant in disease. Therefore, it has been classified as a Variant of Uncertain Significance. Algorithms developed to predict the effect of missense changes on protein structure and function are either unavailable or do not agree on the potential impact of this missense change (SIFT: "Deleterious"; PolyPhen-2: "Benign"; Align-GVGD: "Class C0"). This variant has not been reported in the literature in individuals affected with APC2-related conditions. This variant is not present in population databases (gnomAD no frequency).

NM_005883.3(APC2):c.4586G>A (p.Arg1529His)

Gene: APC2 (APC regulator of Wnt signaling pathway 2; plus strand). Cytogenetic location: 19p13.3.
Variant type: single nucleotide variant.
Coding change: c.4586G>A on transcript NM_005883.3 (MANE Select); coding-DNA position 4586, G replaced by A.
Protein change: p.Arg1529His; replaces arginine 1529 with histidine.
Molecular consequence: missense variant.
Genome position (GRCh38, 1-based): chr19:1,467,887, G>A. VCF-style: chr19-1467887-G-A. GRCh37 (hg19) VCF-style: chr19-1467886-G-A.
Other names: c.4583G>A, p.Arg1528His (NM_001351273.1); c.4586G>A (NM_005883.2); short protein forms R1529H, R1528H.
Identifiers: ClinVar variation 2079790 (VCV002079790.3), dbSNP rs1423749860, ClinGen allele CA403037419.
Genomic context (GRCh38, chr19:1,467,887, plus strand): 5'-TCTACGGCAACGACTCGGACGAGGAGCCCCCGGCGGCCGCGCCCACGCCAACCCACCGGC[G>A]CACATCGGCCATCCCTCGCGCTTTTACGCGGGAGCGTCCGCAGGGCCGGAAGGAGGCCCC-3'
Protein context (NP_005874.1, residues 1519-1539): PAAAPTPTHR[Arg1529His]TSAIPRAFTR